The following is an entry in ClinVar:

ClinVar aggregate classification (germline): Uncertain significance (1 of 4 stars; one submission).

Conditions:
MAPT-related disorder. Also called: MAPT-related condition; MAPT-Related Disorders.

Allele frequency attached by ClinVar (database versions not stated): gnomAD 0.00001; gnomAD exomes 0.00001; ExAC 0.00002; TOPMed 0.00003.
gnomAD v4.1: 21 of 1,614,074 alleles (0.0013%); highest among the groups gnomAD compares: South Asian, 0.0077%; no homozygotes.

Submission:

PreventionGenetics, part of Exact Sciences
Classification: Uncertain significance for MAPT-related condition. Last evaluated: 2023-02-07. Review status: criteria provided, single submitter. Criteria: ACMG Guidelines, 2015. Collection method: clinical testing. Allele origin: germline.
Comment: The MAPT c.913G>A variant is predicted to result in the amino acid substitution p.Val305Met. To our knowledge, this variant has not been reported in the literature. This variant is reported in 0.013% of alleles in individuals of South Asian descent in gnomAD. At this time, the clinical significance of this variant is uncertain due to the absence of conclusive functional and genetic evidence.

NM_001377265.1(MAPT):c.1138G>A (p.Val380Met)

Gene: MAPT (microtubule associated protein tau). Cytogenetic location: 17q21.31.
Variant type: single nucleotide variant.
Coding change: c.1138G>A on transcript NM_001377265.1 (MANE Select); coding-DNA position 1138, G replaced by A.
Protein change: p.Val380Met; replaces valine 380 with methionine.
Molecular consequence: missense variant. On other transcripts: intron variant (8).
Genome position (GRCh38, 1-based): chr17:45,983,717, G>A. VCF-style: chr17-45983717-G-A. GRCh37 (hg19) VCF-style: chr17-44061083-G-A.
Other names: c.913G>A, p.Val305Met (NM_001123066.4, NM_016835.5); c.1138G>A, p.Val380Met (NM_001377266.1); c.200-3323G>A (NM_001377268.1, NM_016834.5, NM_016841.5); c.374-3323G>A (NM_005910.6, NM_001203252.2); c.287-3323G>A (NM_001123067.4, NM_001203251.2, NM_001377267.1); short protein forms V305M, V380M.
Identifiers: ClinVar variation 2631949 (VCV002631949.1), dbSNP rs755437552, ClinGen allele CA8617788.